The following is an entry in ClinVar:

NM_001081.4(CUBN):c.964G>A (p.Val322Ile)

Gene: CUBN (cubilin; minus strand). Cytogenetic location: 10p13.
Variant type: single nucleotide variant.
Coding change: c.964G>A on transcript NM_001081.4 (MANE Select); coding-DNA position 964, G replaced by A.
Protein change: p.Val322Ile; replaces valine 322 with isoleucine.
Molecular consequence: missense variant.
Genome position (GRCh38, 1-based): chr10:17,110,970, C>T on the plus strand (G>A on the coding strand, the complement: CUBN is on the minus strand). VCF-style: chr10-17110970-C-T. GRCh37 (hg19) VCF-style: chr10-17152969-C-T.
Other names: short protein forms V322I.
Identifiers: ClinVar variation 2341328 (VCV002341328.4), dbSNP rs575021189, ClinGen allele CA5425458.
Genomic context (GRCh38, chr10:17,110,970, plus strand): 5'-AGGCAGCACCTGGTGGACAGGCCTGGCAGTGGGAAGACCCAGGTGTATTCACACACTCAA[C>T]GGGTGGAGCCACAGAACAGCCGCCGTTATTTATCTCACATTCATTGATATCTTCGCAAAT-3'
Protein context (NP_001072.2, residues 312-332): NNGGCSVAPP[Val322Ile]ECVNTPGSSH

ClinVar aggregate classification (germline): Uncertain significance. Review status: criteria provided, multiple submitters, no conflicts (2 of 4 stars). 3 submissions from 3 submitters: Uncertain significance (3). Last evaluated 2025-04-22.

Conditions:
Imerslund-Grasbeck syndrome type 1 (IGS1). Also called: Megaloblastic anemia 1, Finnish type; MEGALOBLASTIC ANEMIA, 1; Imerslund-Gräsbeck syndrome 1. Identifiers: MedGen C4016819, MONDO:0100156, OMIM 261100.
Proteinuria, chronic benign. Identifiers: MedGen C5394384, MONDO:0030042, OMIM 618884.
Imerslund-Grasbeck syndrome. Also called: ENTEROCYTE COBALAMIN MALABSORPTION; ENTEROCYTE INTRINSIC FACTOR RECEPTOR, DEFECT OF; PERNICIOUS ANEMIA, JUVENILE, DUE TO SELECTIVE INTESTINAL MALABSORPTION OF VITAMIN B12, WITH PROTEINURIA; Megaloblastic anemia due to inborn errors of metabolism; Imerslund-Gräsbeck syndrome. Identifiers: Orphanet 35858, MedGen C4551825, MONDO:0009853.
Inborn genetic diseases. Identifiers: MedGen C0950123, MeSH D030342.

Allele frequency attached by ClinVar (database versions not stated): ExAC 0.00008; gnomAD 0.00013; gnomAD exomes 0.00007; 1000 Genomes Project 0.00020; 1000 Genomes Project 30x 0.00031.
gnomAD v4.1: 113 of 1,614,168 alleles (0.007%); highest among the groups gnomAD compares: Admixed American, 0.018%; no homozygotes.

Submissions (3):

Labcorp Genetics (formerly Invitae), Labcorp
Classification: Uncertain significance for Imerslund-Grasbeck syndrome. Last evaluated: 2025-04-22. Review status: criteria provided, single submitter. Criteria: Invitae Variant Classification Sherloc (09022015). Collection method: clinical testing. Allele origin: germline.
Comment: This sequence change replaces valine, which is neutral and non-polar, with isoleucine, which is neutral and non-polar, at codon 322 of the CUBN protein (p.Val322Ile). This variant is present in population databases (rs575021189, gnomAD 0.02%). This variant has not been reported in the literature in individuals affected with CUBN-related conditions. ClinVar contains an entry for this variant (Variation ID: 2341328). Invitae Evidence Modeling of protein sequence and biophysical properties (such as structural, functional, and spatial information, amino acid conservation, physicochemical variation, residue mobility, and thermodynamic stability) has been performed for this missense variant. However, the output from this modeling did not meet the statistical confidence thresholds required to predict the impact of this variant on CUBN protein function. In summary, the available evidence is currently insufficient to determine the role of this variant in disease. Therefore, it has been classified as a Variant of Uncertain Significance.

Fulgent Genetics
Classification: Uncertain significance for Imerslund-Grasbeck syndrome type 1; Proteinuria, chronic benign. Last evaluated: 2024-04-15. Review status: criteria provided, single submitter. Criteria: ACMG Guidelines, 2015. Collection method: clinical testing. Allele origin: germline.

Ambry Genetics
Classification: Uncertain significance for Inborn genetic diseases. Last evaluated: 2021-07-14. Review status: criteria provided, single submitter. Criteria: Ambry Variant Classification Scheme 2023. Collection method: clinical testing. Allele origin: germline.